The following is an entry in ClinVar:

ClinVar aggregate classification (germline): Likely benign. Review status: criteria provided, multiple submitters, no conflicts (2 of 4 stars). 3 submissions from 3 submitters: Likely benign (2). 1 of the submissions does not count toward it. Last evaluated 2025-05-05.

Conditions:
ZNF469-related disorder. Also called: ZNF469-related condition.
Cardiovascular phenotype. Identifiers: MedGen CN230736.

Allele frequency attached by ClinVar (database versions not stated): gnomAD exomes 0.00001; gnomAD 0.00002; TOPMed 0.00002.
gnomAD v4.1: 12 of 1,549,858 alleles (0.00077%); highest among the groups gnomAD compares: South Asian, 0.0036%; no homozygotes.

Submissions (3):

Labcorp Genetics (formerly Invitae), Labcorp
Classification: Likely benign. Last evaluated: 2025-05-05. Review status: criteria provided, single submitter. Criteria: Invitae Variant Classification Sherloc (09022015). Collection method: clinical testing. Allele origin: germline.

Ambry Genetics
Classification: Likely benign for Cardiovascular phenotype. Last evaluated: 2022-12-25. Review status: criteria provided, single submitter. Criteria: Ambry Variant Classification Scheme 2023. Collection method: clinical testing. Allele origin: germline.

PreventionGenetics, part of Exact Sciences
Classification: Likely benign for ZNF469-related condition. Last evaluated: 2019-04-03. Review status: no assertion criteria provided. Collection method: clinical testing. Allele origin: germline. Not counted in ClinVar's aggregate classification.
Comment: This variant is classified as likely benign based on ACMG/AMP sequence variant interpretation guidelines (Richards et al. 2015 PMID: 25741868, with internal and published modifications).

NM_001367624.2(ZNF469):c.600C>T (p.Ser200=)

Gene: ZNF469 (zinc finger protein 469; plus strand). Cytogenetic location: 16q24.2.
Variant type: single nucleotide variant.
Coding change: c.600C>T on transcript NM_001367624.2 (MANE Select); coding-DNA position 600, C replaced by T.
Protein change: p.Ser200=; no amino-acid change (serine 200 retained).
Molecular consequence: synonymous variant.
Genome position (GRCh38, 1-based): chr16:88,428,070, C>T. VCF-style: chr16-88428070-C-T. GRCh37 (hg19) VCF-style: chr16-88494478-C-T.
Other names: NM_001127464.1:c.600C>T; NM_001127464.2:c.600C>T.
Identifiers: ClinVar variation 1948383 (VCV001948383.9), dbSNP rs377475711, ClinGen allele CA286371740.
Genomic context (GRCh38, chr16:88,428,070, plus strand): 5'-CCACAGGTGCTTCCAGGAGCCACCCTCCAGCTTTACCTCCACCAACTATACCTCACCAAG[C>T]GCCACCCCCAGGCCCCCAGCCCCGGGGCCCCCCCAGAGCAGGGGCACCAGCCCCCTCCAG-3'
Protein context (NP_001354553.1, residues 190-210): SFTSTNYTSP[Ser200=]ATPRPPAPGP